The following is an entry in ClinVar:

NM_004385.5(VCAN):c.6123C>G (p.Ile2041Met)

Genes: VCAN (versican; plus strand), VCAN-AS1 (VCAN antisense RNA 1; minus strand). Cytogenetic location: 5q14.3.
Variant type: single nucleotide variant.
Coding change: c.6123C>G on transcript NM_004385.5 (MANE Select); coding-DNA position 6123, C replaced by G.
Protein change: p.Ile2041Met; replaces isoleucine 2041 with methionine.
Molecular consequence: missense variant. On other transcripts: intron variant (2).
Genome position (GRCh38, 1-based): chr5:83,539,126, C>G. VCF-style: chr5-83539126-C-G. GRCh37 (hg19) VCF-style: chr5-82834945-C-G.
Other names: c.4004-6411C>G (NM_001164098.2); c.1043-6411C>G (NM_001126336.3); c.3162C>G, p.Ile1054Met (NM_001164097.2); short protein forms I1054M, I2041M.
Identifiers: ClinVar variation 1719554 (VCV001719554.5), dbSNP rs113659987, ClinGen allele CA360311869.

ClinVar aggregate classification (germline): Uncertain significance (1 of 4 stars; one submission).

Submission:

Labcorp Genetics (formerly Invitae), Labcorp
Classification: Uncertain significance. Last evaluated: 2024-04-22. Review status: criteria provided, single submitter. Criteria: Invitae Variant Classification Sherloc (09022015). Collection method: clinical testing. Allele origin: germline.
Comment: This sequence change replaces isoleucine, which is neutral and non-polar, with methionine, which is neutral and non-polar, at codon 2041 of the VCAN protein (p.Ile2041Met). This variant is not present in population databases (gnomAD no frequency). This variant has not been reported in the literature in individuals affected with VCAN-related conditions. ClinVar contains an entry for this variant (Variation ID: 1719554). An algorithm developed to predict the effect of missense changes on protein structure and function (PolyPhen-2) suggests that this variant is likely to be disruptive. In summary, the available evidence is currently insufficient to determine the role of this variant in disease. Therefore, it has been classified as a Variant of Uncertain Significance.